The following is an entry in ClinVar:

NM_004430.3(EGR3):c.838G>A (p.Glu280Lys)

Gene: EGR3 (early growth response 3; minus strand). Cytogenetic location: 8p21.3.
Variant type: single nucleotide variant.
Coding change: c.838G>A on transcript NM_004430.3 (MANE Select); coding-DNA position 838, G replaced by A.
Protein change: p.Glu280Lys; replaces glutamic acid 280 with lysine.
Molecular consequence: missense variant.
Genome position (GRCh38, 1-based): chr8:22,690,799, C>T on the plus strand (G>A on the coding strand, the complement: EGR3 is on the minus strand). VCF-style: chr8-22690799-C-T. GRCh37 (hg19) VCF-style: chr8-22548312-C-T.
Other names: c.724G>A, p.Glu242Lys (NM_001199880.2); c.676G>A, p.Glu226Lys (NM_001199881.2); short protein forms E226K, E242K, E280K.
Identifiers: ClinVar variation 5001868 (VCV005001868.1).

ClinVar aggregate classification (germline): Uncertain significance (1 of 4 stars; one submission).

Conditions:
EGR3-related disorder. Also called: EGR3-related condition.

Submission:

PreventionGenetics, part of Exact Sciences
Classification: Uncertain significance for EGR3-related condition. Last evaluated: 2025-07-10. Review status: criteria provided, single submitter. Criteria: ACMG Guidelines, 2015. Collection method: clinical testing. Allele origin: germline.
Comment: The EGR3 c.838G>A variant is predicted to result in the amino acid substitution p.Glu280Lys. To our knowledge, this variant has not been reported in the literature or in a large population database (gnomAD), indicating this variant is rare. At this time, the clinical significance of this variant is uncertain due to the absence of conclusive functional and genetic evidence.